The following is an entry in ClinVar:

ClinVar aggregate classification (germline): Uncertain significance. Review status: criteria provided, multiple submitters, no conflicts (2 of 4 stars). 2 submissions from 2 submitters: Uncertain significance (2). Last evaluated 2023-12-27.

Conditions:
Inborn genetic diseases. Identifiers: MedGen C0950123, MeSH D030342.

Submissions (2):

Ambry Genetics
Classification: Uncertain significance for Inborn genetic diseases. Last evaluated: 2023-12-27. Review status: criteria provided, single submitter. Criteria: Ambry Variant Classification Scheme 2023. Collection method: clinical testing. Allele origin: germline.

GeneDx
Classification: Uncertain significance. Last evaluated: 2017-07-20. Review status: criteria provided, single submitter. Criteria: GeneDx Variant Classification (06012015). Collection method: clinical testing. Allele origin: germline. Affected: yes.
Comment: The V343M variant in the LRP5 gene has not been reported previously as a pathogenic variant, nor as a benign variant, to our knowledge. The V343M variant is not observed in large population cohorts (Lek et al., 2016; 1000 Genomes Consortium et al., 2015; Exome Variant Server). The V343M variant is a conservative amino acid substitution, which is not likely to impact secondary protein structure as these residues share similar properties. This substitution occurs at a position where amino acids with similar properties to Valine are tolerated across species. In silico analysis is inconsistent in its predictions as to whether or not the variant is damaging to the protein structure/function. We interpret V343M as a variant of uncertain significance.

NM_002335.4(LRP5):c.1027G>A (p.Val343Met)

Gene: LRP5 (LDL receptor related protein 5; plus strand). Cytogenetic location: 11q13.2.
Variant type: single nucleotide variant.
Coding change: c.1027G>A on transcript NM_002335.4 (MANE Select); coding-DNA position 1027, G replaced by A.
Protein change: p.Val343Met; replaces valine 343 with methionine.
Molecular consequence: missense variant. On other transcripts: 5 prime UTR variant (1).
Genome position (GRCh38, 1-based): chr11:68,386,327, G>A. VCF-style: chr11-68386327-G-A. GRCh37 (hg19) VCF-style: chr11-68153795-G-A.
Other names: c.-739G>A (NM_001291902.2); short protein forms V343M.
Identifiers: ClinVar variation 450541 (VCV000450541.2), dbSNP rs761479086, ClinGen allele CA381612097.